The following is an entry in ClinVar:

NM_001040616.3(LINS1):c.995del (p.Val332fs)

Gene: LINS1 (lines homolog 1; minus strand). Cytogenetic location: 15q26.3.
Variant type: Deletion.
Coding change: c.995del on transcript NM_001040616.3 (MANE Select); coding-DNA position 995, one base deleted (T; older notation c.995delT).
Protein change: p.Val332fs; shifts the reading frame from valine 332.
Molecular consequence: frameshift variant. On other transcripts: non-coding transcript variant (3).
Genome position (GRCh38, 1-based): chr15:100,573,878, A deleted on the plus strand (T on the coding strand, the reverse complement: LINS1 is on the minus strand). VCF-style (leftmost placement, unchanged base first): chr15-100573877-CA-C. GRCh37 (hg19) VCF-style: chr15-101114082-CA-C.
Other names: c.248del, p.Val83fs (NM_001352507.2); c.950del, p.Val317fs (NM_001352508.2); short protein forms V317fs, V332fs, V83fs.
Identifiers: ClinVar variation 5005370 (VCV005005370.2).
Genomic context (GRCh38, chr15:100,573,877, plus strand): 5'-TGTCTTCAACAACCCCGAATTCACAGCTTGCAAAACAGCATTAGCTAAAGCCAGCATGTC[CA>C]CCGCTACATGATGGTCTGGCGGCATTAAGGCAGGCACAGATCCACGACAGAGGTCTTCAC-3'

ClinVar aggregate classification (germline): Likely pathogenic (1 of 4 stars; one submission).

Conditions:
Intellectual developmental disorder, autosomal recessive 27. Also called: Mental retardation, autosomal recessive 27; Intellectual disability, autosomal recessive 27. Identifiers: Orphanet 88616, MedGen C3280538, MONDO:0013702, OMIM 614340.

Submission:

Juno Genomics, Hangzhou Juno Genomics, Inc
Classification: Likely pathogenic for Intellectual developmental disorder, autosomal recessive 27. Review status: criteria provided, single submitter. Criteria: ACMG Guidelines, 2015. Collection method: clinical testing. Allele origin: germline.
Comment: Null variant in a gene where loss of function (LOF) is a known mechanism of disease.;Absent from controls (or at extremely low frequency if recessive) in Genome Aggregation Database.